The following is an entry in ClinVar:

ClinVar aggregate classification (germline): Benign. Review status: criteria provided, multiple submitters, no conflicts (2 of 4 stars). 20 submissions from 20 submitters: Benign (14). 6 of the submissions do not count toward it. Last evaluated 2026-02-04.

Conditions:
Juvenile polyposis syndrome (JPS). Identifiers: Orphanet 2929, MedGen C0345893, MONDO:0017380, OMIM 174900.
Hereditary cancer-predisposing syndrome. Also called: Tumor predisposition; Hereditary neoplastic syndrome; Neoplastic Syndromes, Hereditary; Hereditary Cancer Syndrome. Identifiers: Orphanet 140162, MedGen C0027672, MeSH D009386, MONDO:0015356.
Generalized juvenile polyposis/juvenile polyposis coli. Also called: Juvenile polyposis coli. Identifiers: Orphanet 329971, MedGen C1868081, MONDO:0008276.

Allele frequency attached by ClinVar (database versions not stated): 1000 Genomes Project 0.01258; 1000 Genomes Project 30x 0.01280; gnomAD exomes 0.01460 and 0.01921; gnomAD 0.01482 and 0.01512; ExAC 0.01535; TOPMed 0.01675; ESP Exome Variant Server 0.01845.
gnomAD v4.1: 30,270 of 1,613,362 alleles (1.9%); highest among the groups gnomAD compares: Middle Eastern, 3.1%; 347 homozygotes.

Submissions (20):

Labcorp Genetics (formerly Invitae), Labcorp
Classification: Benign for Juvenile polyposis syndrome. Last evaluated: 2026-02-04. Review status: criteria provided, single submitter. Criteria: Invitae Variant Classification Sherloc (09022015). Collection method: clinical testing. Allele origin: germline.

ARUP Laboratories, Molecular Genetics and Genomics, ARUP Laboratories
Classification: Benign. Last evaluated: 2025-07-30. Review status: criteria provided, single submitter. Criteria: ARUP Molecular Germline Variant Investigation Process 2024. Collection method: clinical testing. Allele origin: germline.

Center for Genomic Medicine, Rigshospitalet, Copenhagen University Hospital
Classification: Benign. Last evaluated: 2025-03-04. Review status: criteria provided, single submitter. Criteria: ACMG Guidelines, 2015. Collection method: clinical testing. Allele origin: germline.

Institute for Biomarker Research, Medical Diagnostic Laboratories, L.L.C.
Classification: Benign for Hereditary cancer-predisposing syndrome. Last evaluated: 2025-01-20. Review status: criteria provided, single submitter. Criteria: ACMG Guidelines, 2015. Collection method: clinical testing. Allele origin: germline.
Comment: The synonymous variant NM_004329.3(BMPR1A):c.1140C>T (p.Asp380=) has been reported to ClinVar as Benign with a status of (2 stars) criteria provided, multiple submitters, no conflicts (Variation ID 132691 as of 2025-01-02). The variant is observed in one or more well-documented healthy adults. The p.Asp380= variant is not predicted to disrupt an existing splice site. The p.Asp380= variant results in a substitution of a base that is not predicted conserved by GERP++ and PhyloP. For these reasons, this variant has been classified as Benign

Myriad Genetics, Inc.
Classification: Benign for Juvenile polyposis syndrome. Last evaluated: 2024-08-06. Review status: criteria provided, single submitter. Criteria: Myriad Autosomal Dominant, Autosomal Recessive and X-Linked Classification Criteria (2023). Collection method: clinical testing. Allele origin: unknown.
Comment: This variant is considered benign. This variant is a silent/synonymous amino acid change and it is not expected to impact splicing.

KCCC/NGS Laboratory, Kuwait Cancer Control Center
Classification: Benign for Juvenile polyposis syndrome. Last evaluated: 2023-07-07. Review status: criteria provided, single submitter. Criteria: ACMG Guidelines, 2015. Collection method: clinical testing. Allele origin: germline. Affected: yes.

Quest Diagnostics Nichols Institute San Juan Capistrano
Classification: Benign. Last evaluated: 2020-08-14. Review status: criteria provided, single submitter. Criteria: Quest Diagnostics criteria. Collection method: clinical testing. Allele origin: unknown.

Illumina Laboratory Services, Illumina
Classification: Benign for Juvenile polyposis syndrome. Last evaluated: 2018-01-12. Review status: criteria provided, single submitter. Criteria: ICSL Variant Classification Criteria 13 December 2019. Collection method: clinical testing. Allele origin: germline.
Comment: This variant was observed in the ICSL laboratory as part of a predisposition screen in an ostensibly healthy population. It had not been previously curated by ICSL or reported in the Human Gene Mutation Database (HGMD: prior to June 1st, 2018), and was therefore a candidate for classification through an automated scoring system. Utilizing variant allele frequency, disease prevalence and penetrance estimates, and inheritance mode, an automated score was calculated to assess if this variant is too frequent to cause the disease. Based on the score and internal cut-off values, a variant classified as benign is not then subjected to further curation. The score for this variant resulted in a classification of benign for this disease.

PreventionGenetics, part of Exact Sciences
Classification: Benign. Last evaluated: 2016-08-12. Review status: criteria provided, single submitter. Criteria: ACMG Guidelines, 2015. Collection method: clinical testing. Allele origin: germline.

Color Diagnostics, LLC DBA Color Health
Classification: Benign for Hereditary cancer-predisposing syndrome. Last evaluated: 2016-03-09. Review status: criteria provided, single submitter. Criteria: ACMG Guidelines, 2015. Collection method: clinical testing. Allele origin: germline.

GeneDx
Classification: Benign. Last evaluated: 2015-03-03. Review status: criteria provided, single submitter. Criteria: GeneDx Variant Classification Process June 2021. Collection method: clinical testing. Allele origin: germline. Affected: yes.

Ambry Genetics
Classification: Benign for Hereditary cancer-predisposing syndrome. Last evaluated: 2014-11-21. Review status: criteria provided, single submitter. Criteria: Ambry Variant Classification Scheme 2023. Collection method: clinical testing. Allele origin: germline.

Mayo Clinic Laboratories, Mayo Clinic
Classification: Benign. Last evaluated: 2013-10-07. Review status: criteria provided, single submitter. Criteria: ACMG Guidelines, 2015. Collection method: clinical testing. Allele origin: germline. Observed: 25 variant alleles.

Breakthrough Genomics
Classification: Benign. Review status: criteria provided, single submitter. Criteria: ACMG Guidelines, 2015. Collection method: not provided. Allele origin: germline. Inheritance: Autosomal dominant inheritance. Affected: yes.

True Health Diagnostics
Classification: Likely benign for Hereditary cancer-predisposing syndrome. Last evaluated: 2018-02-20. Review status: no assertion criteria provided. Collection method: clinical testing. Allele origin: germline. Not counted in ClinVar's aggregate classification.

Clinical Genetics, Academic Medical Center
Classification: Benign. Review status: no assertion criteria provided. Collection method: clinical testing. Allele origin: germline. Affected: yes. Study: VKGL Data-share Consensus. Not counted in ClinVar's aggregate classification.

Department of Pathology and Laboratory Medicine, Sinai Health System
Classification: Benign. Review status: no assertion criteria provided. Collection method: clinical testing. Allele origin: unknown. Affected: yes. Study: The Canadian Open Genetics Repository (COGR). Not counted in ClinVar's aggregate classification.
Comment: The BMPR1A p.Asp380= variant was identified in 1 of 96 proband chromosomes (frequency: 0.01) from one individual with Hereditary hemorrhagic telangiectasia; however, the variant is identified as a polymorphism (Lesca 2006). The variant was also identified in the following databases: dbSNP (ID: rs35572415) as "With Likely benign allele", ClinVar (5x benign, 1x likely benign), Clinvitae, and LOVD 3.0 (4x). The variant was not identified in Cosmic or the MutDB database. The variant was identified in control databases in 3968 of 276746 chromosomes (34 homozygous) at a frequency of 0.01 increasing the likelihood this could be a low frequency benign variant (Genome Aggregation Database Feb 27, 2017). It was observed in the following populations: African in 92 of 24020 chromosomes (freq: 0.004), Other in 129 of 6460 chromosomes (freq: 0.02), Latino in 477 of 34416 chromosomes (freq: 0.01), European in 2719 of 126260 chromosomes (freq: 0.02), Ashkenazi Jewish in 149 of 10150 chromosomes (freq: 0.01), Finnish in 154 of 25792 chromosomes (freq: 0.006), and South Asian in 248 of 30782 chromosomes (freq: 0.008). The variant was not observed in the East Asian population. A study by Pyatt 2006 investigating Juvenile polyposis syndrome listed this variant as a polymorphism. The p.Asp380= variant is not expected to have clinical significance because it does not result in a change of amino acid and is not located in a known consensus splice site. In addition, in silico or computational prediction software programs (SpliceSiteFinder, MaxEntScan, NNSPLICE, GeneSplicer, HumanSpliceFinder) do not predict a difference in splicing. In summary, based on the above information this variant meets our laboratory's criteria to be classified as benign.

Genome Diagnostics Laboratory, Amsterdam University Medical Center
Classification: Benign. Review status: no assertion criteria provided. Collection method: clinical testing. Allele origin: germline. Affected: yes. Study: VKGL Data-share Consensus. Not counted in ClinVar's aggregate classification.

Joint Genome Diagnostic Labs from Nijmegen and Maastricht, Radboudumc and MUMC+
Classification: Benign. Review status: no assertion criteria provided. Collection method: clinical testing. Allele origin: germline. Affected: yes. Study: VKGL Data-share Consensus. Not counted in ClinVar's aggregate classification.

Laboratory of Diagnostic Genome Analysis, Leiden University Medical Center (LUMC)
Classification: Benign. Review status: no assertion criteria provided. Collection method: clinical testing. Allele origin: germline. Affected: yes. Study: VKGL Data-share Consensus. Not counted in ClinVar's aggregate classification.

Literature cited by the submitters: PubMed 16436638 (cited by Quest Diagnostics Nichols Institute San Juan Capistrano); PubMed 16902903 (cited by Quest Diagnostics Nichols Institute San Juan Capistrano); PubMed 16705692 (cited by Quest Diagnostics Nichols Institute San Juan Capistrano).

NM_004329.3(BMPR1A):c.1140C>T (p.Asp380=)

Gene: BMPR1A (bone morphogenetic protein receptor type 1A; plus strand). Cytogenetic location: 10q23.2.
Variant type: single nucleotide variant.
Coding change: c.1140C>T on transcript NM_004329.3 (MANE Select); coding-DNA position 1140, C replaced by T.
Protein change: p.Asp380=; no amino-acid change (aspartic acid 380 retained).
Molecular consequence: synonymous variant.
Genome position (GRCh38, 1-based): chr10:86,919,443, C>T. VCF-style: chr10-86919443-C-T. GRCh37 (hg19) VCF-style: chr10-88679200-C-T.
Other names: p.Asp380=.
Identifiers: ClinVar variation 132691 (VCV000132691.49), dbSNP rs35572415, ClinGen allele CA168328.